The following is an entry in ClinVar:

NC_012920.1(MT-ATP6):m.9026G>C

Gene: MT-ATP6 (mitochondrially encoded ATP synthase 6; plus strand).
Variant type: single nucleotide variant.
Genome position: chrM-9026-G-C.
Other names: p.Gly167Ala.
Identifiers: ClinVar variation 4871838 (VCV004871838.1).

ClinVar aggregate classification (germline): Uncertain significance (1 of 4 stars; one submission).

Conditions:
Leigh syndrome (NULS). Also called: Leigh's syndrome; Leigh Disease; Subacute necrotizing encephalopathy; Necrotizing encephalopathy infantile subacute of Leigh; LEIGH SYNDROME, NUCLEAR; Leigh's necrotizing encephalopathy. Identifiers: Orphanet 506, MedGen C2931891, MONDO:0009723, OMIM 256000.

Submission:

Department of Molecular Genetics, Istishari Arab Hospital
Classification: Uncertain significance for Leigh syndrome. Last evaluated: 2026-07-13. Review status: criteria provided, single submitter. Criteria: ACMG Guidelines, 2015. Collection method: clinical testing. Allele origin: maternal. Inheritance: Mitochondrial inheritance. Affected: yes.
Comment: The m.9026 G>C variant in the MT-ATP6 gene was detected in this sample as 35.7% heteroplasmic, causing an amino acid change from Gly to Ala at position 167. The variant is not observed in the gnomAD v4.1.0 dataset, and to the best of our knowledge, it was not previously reported in the literature. Other missense variants affecting the same codon, including m.9025G>A p.Gly167Ser and m.9026G>A p.Gly167Asp , have been reported as disease-causing for mitochondrial MT-ATP6-related disorders ( PMID: 37083953, 30763462, 24986921). It is classified as a variant of uncertain significance based on the implementation of the ACMG guidelines.

Literature cited by the submitters: PubMed 37083953; PubMed 30763462; PubMed 24986921.